The following is an entry in ClinVar:

NM_006364.4(SEC23A):c.1483C>T (p.Arg495Ter)

Gene: SEC23A (SEC23 homolog A, COPII component; minus strand). Cytogenetic location: 14q21.1.
Variant type: single nucleotide variant.
Coding change: c.1483C>T on transcript NM_006364.4 (MANE Select); coding-DNA position 1483, C replaced by T.
Protein change: p.Arg495Ter; replaces arginine 495 with a stop codon.
Molecular consequence: nonsense.
Genome position (GRCh38, 1-based): chr14:39,061,787, G>A on the plus strand (C>T on the coding strand, the complement: SEC23A is on the minus strand). VCF-style: chr14-39061787-G-A. GRCh37 (hg19) VCF-style: chr14-39530991-G-A.
Other names: short protein forms R495*.
Identifiers: ClinVar variation 2796642 (VCV002796642.3), dbSNP rs757227446, ClinGen allele CA7161830.

ClinVar aggregate classification (germline): Uncertain significance (1 of 4 stars; one submission).

Conditions:
Craniolenticulosutural dysplasia (CLSD). Also called: BOYADJIEV-JABS SYNDROME. Identifiers: Orphanet 50814, MedGen C1843042, MONDO:0011911, OMIM 607812.

Allele frequency attached by ClinVar (database versions not stated): TOPMed below 0.00001; ExAC 0.00001.
gnomAD v4.1: 9 of 1,612,182 alleles (0.00056%); highest among the groups gnomAD compares: East Asian, 0.0022%; no homozygotes.

Submission:

Labcorp Genetics (formerly Invitae), Labcorp
Classification: Uncertain significance for Craniolenticulosutural dysplasia. Last evaluated: 2024-02-05. Review status: criteria provided, single submitter. Criteria: Invitae Variant Classification Sherloc (09022015). Collection method: clinical testing. Allele origin: germline.
Comment: This sequence change creates a premature translational stop signal (p.Arg495*) in the SEC23A gene. It is expected to result in an absent or disrupted protein product. However, the current clinical and genetic evidence is not sufficient to establish whether loss-of-function variants in SEC23A cause disease. This variant is present in population databases (rs757227446, gnomAD 0.006%). This variant has not been reported in the literature in individuals affected with SEC23A-related conditions. Algorithms developed to predict the effect of sequence changes on RNA splicing suggest that this variant may disrupt the consensus splice site. In summary, the available evidence is currently insufficient to determine the role of this variant in disease. Therefore, it has been classified as a Variant of Uncertain Significance.